The following is an entry in ClinVar:

NM_015213.4(DENND5A):c.141C>T (p.Ala47=)

Gene: DENND5A (DENN domain containing 5A; minus strand). Cytogenetic location: 11p15.4.
Variant type: single nucleotide variant.
Coding change: c.141C>T on transcript NM_015213.4 (MANE Select); coding-DNA position 141, C replaced by T.
Protein change: p.Ala47=; no amino-acid change (alanine 47 retained).
Molecular consequence: synonymous variant. On other transcripts: 5 prime UTR variant (1), non-coding transcript variant (1), intron variant (1).
Genome position (GRCh38, 1-based): chr11:9,207,601, G>A on the plus strand (C>T on the coding strand, the complement: DENND5A is on the minus strand). VCF-style: chr11-9207601-G-A. GRCh37 (hg19) VCF-style: chr11-9229148-G-A.
Other names: c.141C>T, p.Ala47= (NM_001243254.2, NM_001348748.1); c.-184C>T (NM_001348750.2); c.110-819C>T (NM_001348749.2).
Identifiers: ClinVar variation 2796252 (VCV002796252.3), dbSNP rs781047744, ClinGen allele CA5877890.

ClinVar aggregate classification (germline): Uncertain significance (1 of 4 stars; one submission).

Allele frequency attached by ClinVar (database versions not stated): ExAC 0.00001.
gnomAD v4.1: 14 of 1,613,156 alleles (0.00087%); highest among the groups gnomAD compares: Non-Finnish European, 0.0012%; no homozygotes.

Submission:

Labcorp Genetics (formerly Invitae), Labcorp
Classification: Uncertain significance. Last evaluated: 2025-12-29. Review status: criteria provided, single submitter. Criteria: Invitae Variant Classification Sherloc (09022015). Collection method: clinical testing. Allele origin: germline.
Comment: This sequence change affects codon 47 of the DENND5A mRNA. It is a 'silent' change, meaning that it does not change the encoded amino acid sequence of the DENND5A protein. This variant is present in population databases (rs781047744, gnomAD 0.006%). This variant has not been reported in the literature in individuals affected with DENND5A-related conditions. ClinVar contains an entry for this variant (Variation ID: 2796252). Algorithms developed to predict the effect of sequence changes on RNA splicing suggest that this variant may disrupt the consensus splice site. In summary, the available evidence is currently insufficient to determine the role of this variant in disease. Therefore, it has been classified as a Variant of Uncertain Significance.